The following is an entry in ClinVar:

NM_024917.6(TRMT2B):c.223C>T (p.Pro75Ser)

Gene: TRMT2B (tRNA methyltransferase 2B; minus strand). Cytogenetic location: Xq22.1.
Variant type: single nucleotide variant.
Coding change: c.223C>T on transcript NM_024917.6 (MANE Select); coding-DNA position 223, C replaced by T.
Protein change: p.Pro75Ser; replaces proline 75 with serine.
Molecular consequence: missense variant.
Genome position (GRCh38, 1-based): chrX:101,042,067, G>A on the plus strand (C>T on the coding strand, the complement: TRMT2B is on the minus strand). VCF-style: chrX-101042067-G-A. GRCh37 (hg19) VCF-style: chrX-100297056-G-A.
Other names: c.223C>T, p.Pro75Ser (NM_001167970.2, NM_001167971.2, NM_001167972.2); short protein forms P75S.
Identifiers: ClinVar variation 4829852 (VCV004829852.1).
Genomic context (GRCh38, chrX:101,042,067, plus strand): 5'-CTGCTAAGGAGAGAGGACATCAGCCTGGCCTTTACCTTTCCTGCCAGGAACCATCTAGTG[G>A]TCCAAGATGGCTTGGTTTCTTCTGACTTTTTTGTCCTTTCTGACATTTCGTGGCTATCAC-3'
Protein context (NP_079193.2, residues 65-85): KSQKKPSHLG[Pro75Ser]LDGSWQERLA

ClinVar aggregate classification (germline): Uncertain significance (1 of 4 stars; one submission).

gnomAD v4.1: 33 of 1,210,384 alleles (0.0027%); highest among the groups gnomAD compares: South Asian, 0.0035%; no homozygotes.

Submission:

Ambry Genetics
Classification: Uncertain significance. Last evaluated: 2026-01-05. Review status: criteria provided, single submitter. Criteria: Ambry Variant Classification Scheme 2023. Collection method: clinical testing. Allele origin: germline.
Comment: The c.223C>T (p.P75S) alteration is located in exon 3 (coding exon 1) of the TRMT2B gene. This alteration results from a C to T substitution at nucleotide position 223, causing the proline (P) at amino acid position 75 to be replaced by a serine (S). Based on data from gnomAD, the T allele has an overall frequency of 0.002% (4/183263) total alleles studied. The highest observed frequency was 0.005% (4/81736) of European (non-Finnish) alleles. Based on insufficient or conflicting evidence, the clinical significance of this alteration remains unclear.